The following is an entry in ClinVar:

NM_015267.4(CUX2):c.3116A>G (p.Glu1039Gly)

Gene: CUX2 (cut like homeobox 2; plus strand). Cytogenetic location: 12q24.12.
Variant type: single nucleotide variant.
Coding change: c.3116A>G on transcript NM_015267.4 (MANE Select); coding-DNA position 3116, A replaced by G.
Protein change: p.Glu1039Gly; replaces glutamic acid 1039 with glycine.
Molecular consequence: missense variant.
Genome position (GRCh38, 1-based): chr12:111,334,630, A>G. VCF-style: chr12-111334630-A-G. GRCh37 (hg19) VCF-style: chr12-111772434-A-G.
Other names: c.2930A>G, p.Glu977Gly (NM_001370598.1); short protein forms E1039G, E977G.
Identifiers: ClinVar variation 4887263 (VCV004887263.1).
Genomic context (GRCh38, chr12:111,334,630, plus strand): 5'-CCAGCTCCTCGTTGAGCGGGAAGATGTACTCAGGCAGCCAGGCCCCAGGGGGCATCCAGG[A>G]GATCGTGGCCATGTCCCCCGAGCTGGACACGTACTCCATCACCAAGAGGGTGAAGGAGGT-3'
Protein context (NP_056082.2, residues 1029-1049): SGSQAPGGIQ[Glu1039Gly]IVAMSPELDT

ClinVar aggregate classification (germline): Uncertain significance (1 of 4 stars; one submission).

gnomAD v4.1: 1 of 1,614,050 alleles (0.000062%); highest among the groups gnomAD compares: African/African-American, 0.0013%; no homozygotes.

Submission:

Women's Health and Genetics/Laboratory Corporation of America, LabCorp
Classification: Uncertain significance. Last evaluated: 2026-06-30. Review status: criteria provided, single submitter. Criteria: LabCorp Variant Classification Summary - May 2015. Collection method: clinical testing. Allele origin: germline.
Comment: Variant summary: CUX2 c.3116A>G (p.Glu1039Gly) results in a non-conservative amino acid change in the encoded protein sequence. Algorithms developed to predict the effect of missense changes on protein structure and function are either unavailable or do not agree on the potential impact of this missense change. The variant was absent in 248970 control chromosomes. The available data on variant occurrences in the general population are insufficient to allow any conclusion about variant significance. To our knowledge, no occurrence of c.3116A>G in individuals affected with CUX2-related conditions and no experimental evidence demonstrating its impact on protein function have been reported. No submitters have cited clinical-significance assessments for this variant to ClinVar. Based on the evidence outlined above, the variant was classified as uncertain significance.